The following is an entry in ClinVar:

NM_000836.4(GRIN2D):c.1816T>C (p.Tyr606His)

Gene: GRIN2D (glutamate ionotropic receptor NMDA type subunit 2D; plus strand). Cytogenetic location: 19q13.33.
Variant type: single nucleotide variant.
Coding change: c.1816T>C on transcript NM_000836.4 (MANE Select); coding-DNA position 1816, T replaced by C.
Protein change: p.Tyr606His; replaces tyrosine 606 with histidine.
Molecular consequence: missense variant.
Genome position (GRCh38, 1-based): chr19:48,419,314, T>C. VCF-style: chr19-48419314-T-C. GRCh37 (hg19) VCF-style: chr19-48922571-T-C.
Other names: short protein forms Y606H.
Identifiers: ClinVar variation 1939161 (VCV001939161.5), dbSNP rs771893928, ClinGen allele CA9550595.
Genomic context (GRCh38, chr19:48,419,314, plus strand): 5'-TGGGTGATGATGTTCGTCATGTGCCTCACTGTGGTCGCCGTCACTGTTTTCATCTTCGAG[T>C]ACCTCAGTCCTGTTGGTTACAACCGCAGCCTGGCCACGGGCAAGCGTGAGTCCCCCTTCC-3'
Protein context (NP_000827.2, residues 596-616): VVAVTVFIFE[Tyr606His]LSPVGYNRSL

ClinVar aggregate classification (germline): Uncertain significance (1 of 4 stars; one submission).

Allele frequency attached by ClinVar (database versions not stated): ExAC 0.00001; gnomAD 0.00001; gnomAD exomes 0.00001.
gnomAD v4.1: 5 of 1,610,040 alleles (0.00031%); highest among the groups gnomAD compares: Admixed American, 0.0017%; no homozygotes.

Submission:

Labcorp Genetics (formerly Invitae), Labcorp
Classification: Uncertain significance. Last evaluated: 2022-12-15. Review status: criteria provided, single submitter. Criteria: Invitae Variant Classification Sherloc (09022015). Collection method: clinical testing. Allele origin: germline.
Comment: This variant is present in population databases (rs771893928, gnomAD 0.003%). This sequence change replaces tyrosine, which is neutral and polar, with histidine, which is basic and polar, at codon 606 of the GRIN2D protein (p.Tyr606His). This variant has not been reported in the literature in individuals affected with GRIN2D-related conditions. Advanced modeling of protein sequence and biophysical properties (such as structural, functional, and spatial information, amino acid conservation, physicochemical variation, residue mobility, and thermodynamic stability) performed at Invitae indicates that this missense variant is not expected to disrupt GRIN2D protein function. In summary, the available evidence is currently insufficient to determine the role of this variant in disease. Therefore, it has been classified as a Variant of Uncertain Significance.